The following is an entry in ClinVar:

ClinVar aggregate classification (germline): Uncertain significance (1 of 4 stars; one submission).

Conditions:
Dyskeratosis congenita. Identifiers: Orphanet 1775, MedGen C0265965, MONDO:0015780.

Submission:

Labcorp Genetics (formerly Invitae), Labcorp
Classification: Uncertain significance for Dyskeratosis congenita. Last evaluated: 2024-02-20. Review status: criteria provided, single submitter. Criteria: Invitae Variant Classification Sherloc (09022015). Collection method: clinical testing. Allele origin: germline.
Comment: This sequence change replaces serine, which is neutral and polar, with phenylalanine, which is neutral and non-polar, at codon 444 of the CTC1 protein (p.Ser444Phe). This variant is not present in population databases (gnomAD no frequency). This variant has not been reported in the literature in individuals affected with CTC1-related conditions. ClinVar contains an entry for this variant (Variation ID: 968810). Algorithms developed to predict the effect of missense changes on protein structure and function output the following: SIFT: "Not Available"; PolyPhen-2: "Benign"; Align-GVGD: "Not Available". The phenylalanine amino acid residue is found in multiple mammalian species, which suggests that this missense change does not adversely affect protein function. In summary, the available evidence is currently insufficient to determine the role of this variant in disease. Therefore, it has been classified as a Variant of Uncertain Significance.

NM_025099.6(CTC1):c.1331C>T (p.Ser444Phe)

Gene: CTC1 (CST telomere replication complex component 1; minus strand). Cytogenetic location: 17p13.1.
Variant type: single nucleotide variant.
Coding change: c.1331C>T on transcript NM_025099.6 (MANE Select); coding-DNA position 1331, C replaced by T.
Protein change: p.Ser444Phe; replaces serine 444 with phenylalanine.
Molecular consequence: missense variant. On other transcripts: non-coding transcript variant (1).
Genome position (GRCh38, 1-based): chr17:8,235,161, G>A on the plus strand (C>T on the coding strand, the complement: CTC1 is on the minus strand). VCF-style: chr17-8235161-G-A. GRCh37 (hg19) VCF-style: chr17-8138479-G-A.
Other names: short protein forms S444F.
Identifiers: ClinVar variation 968810 (VCV000968810.9), dbSNP rs1987600358, ClinGen allele CA397984663.
Genomic context (GRCh38, chr17:8,235,161, plus strand): 5'-AGTCCTAACTGACGTTCCCACACCAGCTGCTCGTACAGGGAGGCCCCGTAGGCTTGACGG[G>A]ATGAGTGAGCCCCAGGCTTCTGACGAGAGAAGCTTTGAAGCAGAACGGCGCCACGGAGGC-3'
Protein context (NP_079375.3, residues 434-454): FSRQKPGAHS[Ser444Phe]RQAYGASLYE